The following is an entry in ClinVar:

ClinVar aggregate classification (germline): Uncertain significance (1 of 4 stars; one submission).

Conditions:
Aortic valve disease 2 (AOVD2). Identifiers: MedGen C3542024, MONDO:0013902, OMIM 614823.

Submission:

Labcorp Genetics (formerly Invitae), Labcorp
Classification: Uncertain significance for Aortic valve disease 2. Last evaluated: 2025-05-22. Review status: criteria provided, single submitter. Criteria: Invitae Variant Classification Sherloc (09022015). Collection method: clinical testing. Allele origin: germline.
Comment: This sequence change replaces glutamic acid, which is acidic and polar, with glycine, which is neutral and non-polar, at codon 240 of the SMAD6 protein (p.Glu240Gly). This variant is not present in population databases (gnomAD no frequency). This variant has not been reported in the literature in individuals affected with SMAD6-related conditions. ClinVar contains an entry for this variant (Variation ID: 1471827). Invitae Evidence Modeling of protein sequence and biophysical properties (such as structural, functional, and spatial information, amino acid conservation, physicochemical variation, residue mobility, and thermodynamic stability) indicates that this missense variant is not expected to disrupt SMAD6 protein function with a negative predictive value of 80%. In summary, the available evidence is currently insufficient to determine the role of this variant in disease. Therefore, it has been classified as a Variant of Uncertain Significance.

NM_005585.5(SMAD6):c.719A>G (p.Glu240Gly)

Gene: SMAD6 (SMAD family member 6; plus strand). Cytogenetic location: 15q22.31.
Variant type: single nucleotide variant.
Coding change: c.719A>G on transcript NM_005585.5 (MANE Select); coding-DNA position 719, A replaced by G.
Protein change: p.Glu240Gly; replaces glutamic acid 240 with glycine.
Molecular consequence: missense variant. On other transcripts: non-coding transcript variant (1).
Genome position (GRCh38, 1-based): chr15:66,703,977, A>G. VCF-style: chr15-66703977-A-G. GRCh37 (hg19) VCF-style: chr15-66996315-A-G.
Other names: short protein forms E240G.
Identifiers: ClinVar variation 1471827 (VCV001471827.6), dbSNP rs2140582546, ClinGen allele CA392950104.
Genomic context (GRCh38, chr15:66,703,977, plus strand): 5'-CGCCGCCGCAGCTGCTGCTCGGCCGCCTCTTTCGCTGGCCCGACCTGCAGCACGCCGTGG[A>G]GCTGAAGCCCCTGTGCGGCTGCCACAGCTTCGCCGCCGCCGCCGACGGCCCTACCGTGTG-3'
Protein context (NP_005576.3, residues 230-250): FRWPDLQHAV[Glu240Gly]LKPLCGCHSF